The following is an entry in ClinVar:

ClinVar aggregate classification (germline): Uncertain significance (1 of 4 stars; one submission).

Conditions:
Inborn genetic diseases. Identifiers: MedGen C0950123, MeSH D030342.

gnomAD v4.1: 50 of 1,613,968 alleles (0.0031%); highest among the groups gnomAD compares: South Asian, 0.052%; 1 homozygote.

Submission:

Ambry Genetics
Classification: Uncertain significance for Inborn genetic diseases. Last evaluated: 2025-03-19. Review status: criteria provided, single submitter. Criteria: Ambry Variant Classification Scheme 2023. Collection method: clinical testing. Allele origin: germline.
Comment: The p.M311I variant (also known as c.933G>A), located in coding exon 6 of the MECOM gene, results from a G to A substitution at nucleotide position 933. The methionine at codon 311 is replaced by isoleucine, an amino acid with highly similar properties. This amino acid position is conserved. In addition, this alteration is predicted to be tolerated by in silico analysis. Based on the available evidence, the clinical significance of this variant remains unclear.

NM_004991.4(MECOM):c.933G>A (p.Met311Ile)

Gene: MECOM (MDS1 and EVI1 complex locus; minus strand). Cytogenetic location: 3q26.2.
Variant type: single nucleotide variant.
Coding change: c.933G>A on transcript NM_004991.4 (MANE Select); coding-DNA position 933, G replaced by A.
Protein change: p.Met311Ile; replaces methionine 311 with isoleucine.
Molecular consequence: missense variant.
Genome position (GRCh38, 1-based): chr3:169,122,625, C>T on the plus strand (G>A on the coding strand, the complement: MECOM is on the minus strand). VCF-style: chr3-169122625-C-T. GRCh37 (hg19) VCF-style: chr3-168840413-C-T.
Other names: c.561G>A, p.Met187Ile (NM_001105077.4); c.369G>A, p.Met123Ile (NM_001105078.4, NM_001163999.2, NM_001164000.2 and 9 more transcripts); c.933G>A, p.Met311Ile (NM_001366466.2, NM_001366473.2); short protein forms M311I, M123I, M187I.
Identifiers: ClinVar variation 4053082 (VCV004053082.1).